The following is an entry in ClinVar:

NM_001040142.2(SCN2A):c.2016+3G>A

Gene: SCN2A (sodium voltage-gated channel alpha subunit 2; plus strand). Cytogenetic location: 2q24.3.
Variant type: single nucleotide variant.
Coding change: c.2016+3G>A on transcript NM_001040142.2 (MANE Select); 3 bases into the intron after coding-DNA position 2016, G replaced by A.
Molecular consequence: intron variant.
Genome position (GRCh38, 1-based): chr2:165,323,503, G>A. VCF-style: chr2-165323503-G-A. GRCh37 (hg19) VCF-style: chr2-166180013-G-A.
Other names: c.2016+3G>A (NM_001040143.2, NM_001371246.1, NM_001371247.1 and 1 more transcripts).
Identifiers: ClinVar variation 845853 (VCV000845853.11), dbSNP rs752881264, ClinGen allele CA1939902.
Genomic context (GRCh38, chr2:165,323,503, plus strand): 5'-GGTCTCCCTGGTCGGGGGCCCTTCTACCCTCACATCTGCTGGGCAGCTCCTACCAGAGGT[G>A]AGGCCAATTAAAATTGCAGCTGATGTGAAGAGAGTTGTGACTGGTGCAGGCAGGAGTGTT-3'

ClinVar aggregate classification (germline): Conflicting classifications of pathogenicity. Review status: criteria provided, conflicting classifications (1 of 4 stars). 2 submissions from 2 submitters: Uncertain significance (1); Likely benign (1). Last evaluated 2023-12-01.

Conditions:
Seizures, benign familial infantile, 3 (BFIS3). Also called: Familial neonatal seizures; CONVULSIONS, BENIGN FAMILIAL INFANTILE, 3. Identifiers: Orphanet 140927, Orphanet 306, MedGen C1843140, MONDO:0011904, OMIM 607745.
Developmental and epileptic encephalopathy, 11 (DEE11). Also called: Early infantile epileptic encephalopathy 11. Identifiers: Orphanet 1934, MedGen C3150987, MONDO:0013388, OMIM 613721.

Allele frequency attached by ClinVar (database versions not stated): gnomAD exomes below 0.00001 and 0.00004; ExAC 0.00001; gnomAD 0.00003 and 0.00004; TOPMed 0.00003.
gnomAD v4.1: 62 of 1,608,588 alleles (0.0039%); highest among the groups gnomAD compares: Non-Finnish European, 0.0051%; 1 homozygote.

Submissions (2):

Labcorp Genetics (formerly Invitae), Labcorp
Classification: Uncertain significance for Seizures, benign familial infantile, 3; Developmental and epileptic encephalopathy, 11. Last evaluated: 2023-12-01. Review status: criteria provided, single submitter. Criteria: Invitae Variant Classification Sherloc (09022015). Collection method: clinical testing. Allele origin: germline.
Comment: This sequence change falls in intron 12 of the SCN2A gene. It does not directly change the encoded amino acid sequence of the SCN2A protein. It affects a nucleotide within the consensus splice site. The frequency data for this variant in the population databases is considered unreliable, as metrics indicate poor data quality at this position in the gnomAD database. This variant has not been reported in the literature in individuals affected with SCN2A-related conditions. ClinVar contains an entry for this variant (Variation ID: 845853). Variants that disrupt the consensus splice site are a relatively common cause of aberrant splicing (PMID: 17576681, 9536098). Algorithms developed to predict the effect of sequence changes on RNA splicing suggest that this variant is not likely to affect RNA splicing. In summary, the available evidence is currently insufficient to determine the role of this variant in disease. Therefore, it has been classified as a Variant of Uncertain Significance.

GeneDx
Classification: Likely benign. Last evaluated: 2020-12-17. Review status: criteria provided, single submitter. Criteria: GeneDx Variant Classification Process June 2021. Collection method: clinical testing. Allele origin: germline. Affected: yes.

Literature cited by the submitters: PubMed 17576681 (cited by Labcorp Genetics (formerly Invitae), Labcorp); PubMed 9536098 (cited by Labcorp Genetics (formerly Invitae), Labcorp).